The following is an entry in ClinVar:

ClinVar aggregate classification (germline): Likely pathogenic (1 of 4 stars; one submission).

Conditions:
Tatton-Brown-Rahman overgrowth syndrome. Also called: Tatton-Brown-Rahman syndrome; Tall stature-intellectual disability-facial dysmorphism syndrome. Identifiers: Orphanet 404443, MedGen C4014545, MONDO:0014382, OMIM 615879.

Submission:

Institute for Genomic Medicine (IGM) Clinical Laboratory, Nationwide Children's Hospital
Classification: Likely pathogenic for Tatton-Brown-Rahman overgrowth syndrome. Last evaluated: 2025-05-19. Review status: criteria provided, single submitter. Criteria: ACMG Guidelines, 2015. Collection method: clinical testing. Allele origin: germline.
Comment: This variant is predicted to result in loss of function through nonsense-mediated decay of the encoded transcript or premature truncation of the encoded protein in a gene in which loss of function is a known mechanism of disease (ACMG/AMP: PVS1; PMIDs:24614070, 31685998, 28941052). This variant is absent from or present at an exceedingly low frequency in gnomAD, a large-scale control population database (ACMG/AMP: PM2).

Literature cited by the submitters: PubMed 24614070; PubMed 31685998; PubMed 28941052.

NM_022552.5(DNMT3A):c.752del (p.Thr251fs)

Gene: DNMT3A (DNA methyltransferase 3 alpha; minus strand). Cytogenetic location: 2p23.3.
Variant type: Deletion.
Coding change: c.752del on transcript NM_022552.5 (MANE Select); coding-DNA position 752, one base deleted (C; older notation c.752delC).
Protein change: p.Thr251fs; shifts the reading frame from threonine 251.
Molecular consequence: frameshift variant. On other transcripts: non-coding transcript variant (1).
Genome position (GRCh38, 1-based): chr2:25,248,140, G deleted on the plus strand (C on the coding strand, the reverse complement: DNMT3A is on the minus strand). VCF-style (leftmost placement, unchanged base first): chr2-25248139-AG-A. GRCh37 (hg19) VCF-style: chr2-25471008-AG-A.
Other names: c.296del, p.Thr99fs (NM_001320893.1); c.83del, p.Thr28fs (NM_001375819.1); c.185del, p.Thr62fs (NM_153759.3); c.752del, p.Thr251fs (NM_175629.2); short protein forms T251fs, T28fs, T62fs, T99fs.
Identifiers: ClinVar variation 4759282 (VCV004759282.1).